The following is an entry in ClinVar:

NM_177438.3(DICER1):c.3957C>T (p.Gly1319=)

Gene: DICER1 (dicer 1, ribonuclease III; minus strand). Cytogenetic location: 14q32.13.
Variant type: single nucleotide variant.
Coding change: c.3957C>T on transcript NM_177438.3 (MANE Select); coding-DNA position 3957, C replaced by T.
Protein change: p.Gly1319=; no amino-acid change (glycine 1319 retained).
Molecular consequence: synonymous variant.
Genome position (GRCh38, 1-based): chr14:95,103,439, G>A on the plus strand (C>T on the coding strand, the complement: DICER1 is on the minus strand). VCF-style: chr14-95103439-G-A. GRCh37 (hg19) VCF-style: chr14-95569776-G-A.
Other names: c.3957C>T, p.Gly1319= (NM_001195573.1, NM_001271282.3, NM_001291628.2 and 1 more transcripts).
Identifiers: ClinVar variation 242096 (VCV000242096.20), dbSNP rs747021489, ClinGen allele CA7330966.

ClinVar aggregate classification (germline): Conflicting classifications of pathogenicity. Review status: criteria provided, conflicting classifications (1 of 4 stars). 4 submissions from 4 submitters: Uncertain significance (1); Benign (1); Likely benign (2). Last evaluated 2026-04-17.

Conditions:
DICER1-related tumor predisposition. Also called: DICER1-related pleuropulmonary blastoma cancer predisposition syndrome; DICER1 syndrome. Identifiers: Orphanet 284343, MedGen C3839822, MONDO:0100216.
Hereditary cancer-predisposing syndrome. Also called: Hereditary neoplastic syndrome; Neoplastic Syndromes, Hereditary; Hereditary Cancer Syndrome; Tumor predisposition. Identifiers: Orphanet 140162, MedGen C0027672, MeSH D009386, MONDO:0015356.

Allele frequency attached by ClinVar (database versions not stated): gnomAD exomes 0.00005 and 0.00004; TOPMed 0.00003; gnomAD 0.00001; ExAC 0.00005.
gnomAD v4.1: 73 of 1,613,982 alleles (0.0045%); highest among the groups gnomAD compares: South Asian, 0.0077%; no homozygotes.

Submissions (4):

Myriad Genetics, Inc.
Classification: Benign for DICER1-related tumor predisposition. Last evaluated: 2026-04-17. Review status: criteria provided, single submitter. Criteria: Myriad Autosomal Dominant, Autosomal Recessive and X-Linked Classification Criteria (2023). Collection method: clinical testing. Allele origin: unknown.
Comment: This variant is considered benign. This variant is a silent/synonymous amino acid change and it is not expected to impact splicing.

Labcorp Genetics (formerly Invitae), Labcorp
Classification: Likely benign for DICER1-related tumor predisposition. Last evaluated: 2025-10-22. Review status: criteria provided, single submitter. Criteria: Invitae Variant Classification Sherloc (09022015). Collection method: clinical testing. Allele origin: germline.

Ambry Genetics
Classification: Likely benign for Hereditary cancer-predisposing syndrome. Last evaluated: 2025-02-13. Review status: criteria provided, single submitter. Criteria: Ambry Variant Classification Scheme 2023. Collection method: clinical testing. Allele origin: germline.

PreventionGenetics, part of Exact Sciences
Classification: Uncertain significance. Last evaluated: 2018-10-15. Review status: criteria provided, single submitter. Criteria: ACMG Guidelines, 2015. Collection method: clinical testing. Allele origin: germline.